The following is an entry in ClinVar:

NM_004456.5(EZH2):c.420T>A (p.Asp140Glu)

Gene: EZH2 (enhancer of zeste 2 polycomb repressive complex 2 subunit; minus strand). Cytogenetic location: 7q36.1.
Variant type: single nucleotide variant.
Coding change: c.420T>A on transcript NM_004456.5 (MANE Select); coding-DNA position 420, T replaced by A.
Protein change: p.Asp140Glu; replaces aspartic acid 140 with glutamic acid.
Molecular consequence: missense variant.
Genome position (GRCh38, 1-based): chr7:148,829,792, A>T on the plus strand (T>A on the coding strand, the complement: EZH2 is on the minus strand). VCF-style: chr7-148829792-A-T. GRCh37 (hg19) VCF-style: chr7-148526884-A-T.
Other names: c.420T>A, p.Asp140Glu (NM_001203247.2); c.393T>A, p.Asp131Glu (NM_001203248.2, NM_001203249.2); c.303T>A, p.Asp101Glu (NM_152998.3); short protein forms D101E, D131E, D140E.
Identifiers: ClinVar variation 4075464 (VCV004075464.1).

ClinVar aggregate classification (germline): Uncertain significance (1 of 4 stars; one submission).

Submission:

GeneDx
Classification: Uncertain significance. Last evaluated: 2025-02-13. Review status: criteria provided, single submitter. Criteria: GeneDx Variant Classification Process June 2021. Collection method: clinical testing. Allele origin: germline. Affected: yes.
Comment: Not observed at significant frequency in large population cohorts (gnomAD); In silico analysis supports that this missense variant has a deleterious effect on protein structure/function; Has not been previously published as pathogenic or benign to our knowledge